The following is an entry in ClinVar:

NM_001387430.1(SH2B1):c.175G>T (p.Gly59Trp)

Gene: SH2B1 (SH2B adaptor protein 1; plus strand). Cytogenetic location: 16p11.2.
Variant type: single nucleotide variant.
Coding change: c.175G>T on transcript NM_001387430.1 (MANE Select); coding-DNA position 175, G replaced by T.
Protein change: p.Gly59Trp; replaces glycine 59 with tryptophan.
Molecular consequence: missense variant. On other transcripts: intron variant (1).
Genome position (GRCh38, 1-based): chr16:28,866,269, G>T. VCF-style: chr16-28866269-G-T. GRCh37 (hg19) VCF-style: chr16-28877590-G-T.
Other names: c.175G>T, p.Gly59Trp (NM_001145795.2, NM_001145796.2, NM_001145797.2 and 4 more transcripts); c.-26-1105G>T (NM_001308294.2); short protein forms G59W.
Identifiers: ClinVar variation 3351674 (VCV003351674.2).

ClinVar aggregate classification (germline): Uncertain significance (1 of 4 stars; one submission).

Conditions:
SH2B1-related disorder. Also called: SH2B1-related condition.

gnomAD v4.1: 5 of 1,610,400 alleles (0.00031%); highest among the groups gnomAD compares: South Asian, 0.0011%; no homozygotes.

Submission:

PreventionGenetics, part of Exact Sciences
Classification: Uncertain significance for SH2B1-related condition. Last evaluated: 2026-01-22. Review status: criteria provided, single submitter. Criteria: ACMG Guidelines, 2015. Collection method: clinical testing. Allele origin: germline.
Comment: The SH2B1 c.175G>T variant is predicted to result in the amino acid substitution p.Gly59Trp. This variant has been reported in the heterozygous state in an individual with obesity, dyspraxia, emotional lability, and anxiety (Flores et al. 2019. PubMed ID: 31439647). In vitro experimental studies suggest this variant does not significantly impact protein function (Flores et al. 2019. PubMed ID: 31439647). This variant is reported in 0.010% of alleles in individuals of Ashkenazi Jewish descent in gnomAD. At this time, the clinical significance of this variant is uncertain due to the absence of conclusive functional and genetic evidence.